The following is an entry in ClinVar:

NM_020381.4(PDSS2):c.404A>G (p.Tyr135Cys)

Gene: PDSS2 (decaprenyl diphosphate synthase subunit 2; minus strand). Cytogenetic location: 6q21.
Variant type: single nucleotide variant.
Coding change: c.404A>G on transcript NM_020381.4 (MANE Select); coding-DNA position 404, A replaced by G.
Protein change: p.Tyr135Cys; replaces tyrosine 135 with cysteine.
Molecular consequence: missense variant.
Genome position (GRCh38, 1-based): chr6:107,334,225, T>C on the plus strand (A>G on the coding strand, the complement: PDSS2 is on the minus strand). VCF-style: chr6-107334225-T-C. GRCh37 (hg19) VCF-style: chr6-107655429-T-C.
Other names: short protein forms Y135C.
Identifiers: ClinVar variation 1441776 (VCV001441776.6), dbSNP rs1424230904, ClinGen allele CA365323363.

ClinVar aggregate classification (germline): Uncertain significance (1 of 4 stars; one submission).

Allele frequency attached by ClinVar (database versions not stated): gnomAD exomes below 0.00001.
gnomAD v4.1: 4 of 1,613,324 alleles (0.00025%); highest among the groups gnomAD compares: Non-Finnish European, 0.00025%; no homozygotes.

Submission:

Labcorp Genetics (formerly Invitae), Labcorp
Classification: Uncertain significance. Last evaluated: 2022-10-05. Review status: criteria provided, single submitter. Criteria: Invitae Variant Classification Sherloc (09022015). Collection method: clinical testing. Allele origin: germline.
Comment: This sequence change replaces tyrosine, which is neutral and polar, with cysteine, which is neutral and slightly polar, at codon 135 of the PDSS2 protein (p.Tyr135Cys). This variant is present in population databases (no rsID available, gnomAD 0.004%). This variant has not been reported in the literature in individuals affected with PDSS2-related conditions. ClinVar contains an entry for this variant (Variation ID: 1441776). Algorithms developed to predict the effect of missense changes on protein structure and function (SIFT, PolyPhen-2, Align-GVGD) all suggest that this variant is likely to be tolerated. In summary, the available evidence is currently insufficient to determine the role of this variant in disease. Therefore, it has been classified as a Variant of Uncertain Significance.